The following is an entry in ClinVar:

ClinVar aggregate classification (germline): Likely benign. Review status: criteria provided, multiple submitters, no conflicts (2 of 4 stars). 3 submissions from 3 submitters: Likely benign (3). Last evaluated 2024-02-19.

Conditions:
Congenital hyperammonemia, type I. Also called: Carbamoyl-phosphate synthase I deficiency; CPS I DEFICIENCY; Carbamoyl phosphate synthetase 1 deficiency; Hyperammonemia due to carbamoyl phosphate synthetase 1 deficiency; CPS 1 deficiency; Carbamyl phosphate synthetase (CPS) deficiency. Identifiers: Orphanet 147, MedGen C4082171, MONDO:0009376, OMIM 237300.

Allele frequency attached by ClinVar (database versions not stated): gnomAD exomes below 0.00001 and 0.00002; ExAC 0.00001; gnomAD 0.00001.
gnomAD v4.1: 35 of 1,602,694 alleles (0.0022%); highest among the groups gnomAD compares: Non-Finnish European, 0.003%; no homozygotes.

Submissions (3):

Labcorp Genetics (formerly Invitae), Labcorp
Classification: Likely benign for Congenital hyperammonemia, type I. Last evaluated: 2024-02-19. Review status: criteria provided, single submitter. Criteria: Invitae Variant Classification Sherloc (09022015). Collection method: clinical testing. Allele origin: germline.

GeneDx
Classification: Likely benign. Last evaluated: 2016-10-18. Review status: criteria provided, single submitter. Criteria: GeneDx Variant Classification (06012015). Collection method: clinical testing. Allele origin: germline. Affected: yes.
Comment: This variant is considered likely benign or benign based on one or more of the following criteria: it is a conservative change, it occurs at a poorly conserved position in the protein, it is predicted to be benign by multiple in silico algorithms, and/or has population frequency not consistent with disease.

Breakthrough Genomics
Classification: Likely benign. Review status: criteria provided, single submitter. Criteria: ACMG Guidelines, 2015. Collection method: not provided. Allele origin: germline. Inheritance: Autosomal recessive inheritance. Affected: yes.

NM_001875.5(CPS1):c.3666+7A>G

Gene: CPS1 (carbamoyl-phosphate synthase 1; plus strand). Cytogenetic location: 2q34.
Variant type: single nucleotide variant.
Coding change: c.3666+7A>G on transcript NM_001875.5 (MANE Select); 7 bases into the intron after coding-DNA position 3666, A replaced by G.
Molecular consequence: intron variant.
Genome position (GRCh38, 1-based): chr2:210,656,639, A>G. VCF-style: chr2-210656639-A-G. GRCh37 (hg19) VCF-style: chr2-211521363-A-G.
Other names: c.3666+7A>G (NM_001122633.3, NM_001369257.1, LRG_336t1); c.3699+7A>G (NM_001369256.1).
Identifiers: ClinVar variation 389792 (VCV000389792.6), dbSNP rs776903581, ClinGen allele CA2087030.
Genomic context (GRCh38, chr2:210,656,639, plus strand): 5'-GATGCCACTCTGATGCTGCCCACACAAACCATCAGCCAAGGGGCCATTGAAAAGGTCATC[A>G]TTTATAAATAAAAGTGGAAGGGAAAAGGCAACACTCAGAAAAAAACACCTAAGGTTTTTT-3'